The following is an entry in ClinVar:

NM_031924.8(RSPH3):c.170G>A (p.Arg57Gln)

Gene: RSPH3 (radial spoke head 3; minus strand). Cytogenetic location: 6q25.3.
Variant type: single nucleotide variant.
Coding change: c.170G>A on transcript NM_031924.8 (MANE Select); coding-DNA position 170, G replaced by A.
Protein change: p.Arg57Gln; replaces arginine 57 with glutamine.
Molecular consequence: missense variant. On other transcripts: non-coding transcript variant (1).
Genome position (GRCh38, 1-based): chr6:158,993,873, C>T on the plus strand (G>A on the coding strand, the complement: RSPH3 is on the minus strand). VCF-style: chr6-158993873-C-T. GRCh37 (hg19) VCF-style: chr6-159414905-C-T.
Other names: c.596G>A (NM_031924.4); c.596G>A, p.Arg199Gln (NM_001346418.1); short protein forms R199Q, R57Q.
Identifiers: ClinVar variation 1970481 (VCV001970481.6), dbSNP rs772715300, ClinGen allele CA4075975.

ClinVar aggregate classification (germline): Uncertain significance. Review status: criteria provided, multiple submitters, no conflicts (2 of 4 stars). 2 submissions from 2 submitters: Uncertain significance (2). Last evaluated 2024-05-28.

Conditions:
Primary ciliary dyskinesia 32. Also called: CILIARY DYSKINESIA, PRIMARY, 32, WITHOUT SITUS INVERSUS. Identifiers: Orphanet 244, MedGen C4225311, MONDO:0014657, OMIM 616481.
Inborn genetic diseases. Identifiers: MedGen C0950123, MeSH D030342.

Allele frequency attached by ClinVar (database versions not stated): ExAC 0.00001; gnomAD 0.00001; gnomAD exomes 0.00001; TOPMed 0.00001.

Submissions (2):

Ambry Genetics
Classification: Uncertain significance for Inborn genetic diseases. Last evaluated: 2024-05-28. Review status: criteria provided, single submitter. Criteria: Ambry Variant Classification Scheme 2023. Collection method: clinical testing. Allele origin: germline.

Labcorp Genetics (formerly Invitae), Labcorp
Classification: Uncertain significance for Primary ciliary dyskinesia 32. Last evaluated: 2022-10-19. Review status: criteria provided, single submitter. Criteria: Invitae Variant Classification Sherloc (09022015). Collection method: clinical testing. Allele origin: germline.
Comment: This sequence change replaces arginine, which is basic and polar, with glutamine, which is neutral and polar, at codon 199 of the RSPH3 protein (p.Arg199Gln). This variant is present in population databases (rs772715300, gnomAD 0.003%). This variant has not been reported in the literature in individuals affected with RSPH3-related conditions. Algorithms developed to predict the effect of missense changes on protein structure and function are either unavailable or do not agree on the potential impact of this missense change (SIFT: "Tolerated"; PolyPhen-2: "Probably Damaging"; Align-GVGD: "Class C0"). In summary, the available evidence is currently insufficient to determine the role of this variant in disease. Therefore, it has been classified as a Variant of Uncertain Significance.